The following is an entry in ClinVar:

NM_173660.5(DOK7):c.868T>G (p.Ser290Ala)

Gene: DOK7 (docking protein 7; plus strand). Cytogenetic location: 4p16.3.
Variant type: single nucleotide variant.
Coding change: c.868T>G on transcript NM_173660.5 (MANE Select); coding-DNA position 868, T replaced by G.
Protein change: p.Ser290Ala; replaces serine 290 with alanine.
Molecular consequence: missense variant. On other transcripts: 3 prime UTR variant (1), 5 prime UTR variant (1).
Genome position (GRCh38, 1-based): chr4:3,492,854, T>G. VCF-style: chr4-3492854-T-G. GRCh37 (hg19) VCF-style: chr4-3494581-T-G.
Other names: c.*89T>G (NM_001164673.2); c.-63T>G (NM_001256896.2); c.868T>G, p.Ser290Ala (NM_001301071.2); c.436T>G, p.Ser146Ala (NM_001363811.2); short protein forms S146A, S290A.
Identifiers: ClinVar variation 1957117 (VCV001957117.5), dbSNP rs745311730, ClinGen allele CA356116156.

ClinVar aggregate classification (germline): Uncertain significance (1 of 4 stars; one submission).

Conditions:
Fetal akinesia deformation sequence 1 (FADS1). Also called: Fetal akinesia sequence; Pena-Shokeir syndrome type I. Identifiers: Orphanet 994, MedGen C1276035, MONDO:0100101, OMIM 208150, HP:0001989.
Congenital myasthenic syndrome 10. Also called: Myasthenia, limb-girdle, familial. Identifiers: Orphanet 590, MedGen C1850792, MONDO:0009690, OMIM 254300.

gnomAD v4.1: 1 of 1,610,892 alleles (0.000062%); no homozygotes.

Submission:

Labcorp Genetics (formerly Invitae), Labcorp
Classification: Uncertain significance for Congenital myasthenic syndrome 10; Fetal akinesia deformation sequence 1. Last evaluated: 2025-08-21. Review status: criteria provided, single submitter. Criteria: Invitae Variant Classification Sherloc (09022015). Collection method: clinical testing. Allele origin: germline.
Comment: This sequence change replaces serine, which is neutral and polar, with alanine, which is neutral and non-polar, at codon 290 of the DOK7 protein (p.Ser290Ala). This variant is not present in population databases (gnomAD no frequency). This variant has not been reported in the literature in individuals affected with DOK7-related conditions. ClinVar contains an entry for this variant (Variation ID: 1957117). Invitae Evidence Modeling of protein sequence and biophysical properties (such as structural, functional, and spatial information, amino acid conservation, physicochemical variation, residue mobility, and thermodynamic stability) indicates that this missense variant is not expected to disrupt DOK7 protein function with a negative predictive value of 80%. In summary, the available evidence is currently insufficient to determine the role of this variant in disease. Therefore, it has been classified as a Variant of Uncertain Significance.